The following is an entry in ClinVar:

ClinVar aggregate classification (germline): Uncertain significance. Review status: criteria provided, multiple submitters, no conflicts (2 of 4 stars). 2 submissions from 2 submitters: Uncertain significance (2). Last evaluated 2025-01-27.

Conditions:
Retinitis pigmentosa 73 (RP73). Identifiers: Orphanet 791, MedGen C4225287, MONDO:0014687, OMIM 616544.
Mucopolysaccharidosis, MPS-III-C (MPS3C). Also called: SANFILIPPO SYNDROME C; MPS III C; Mucopolysaccharidosis type IIIC (Sanfilippo C); MUCOPOLYSACCHARIDOSIS, TYPE IIIC; mucopolysaccharidosis type 3C; MPS IIIC (Sanfilippo Syndrome Type C). Identifiers: Orphanet 581, Orphanet 79271, MedGen C0086649, MONDO:0009657, OMIM 252930.
Inborn genetic diseases. Identifiers: MedGen C0950123, MeSH D030342.

gnomAD v4.1: 12 of 1,611,524 alleles (0.00074%); highest among the groups gnomAD compares: African/African-American, 0.004%; no homozygotes.

Submissions (2):

Labcorp Genetics (formerly Invitae), Labcorp
Classification: Uncertain significance for Retinitis pigmentosa 73; Mucopolysaccharidosis, MPS-III-C. Last evaluated: 2025-01-27. Review status: criteria provided, single submitter. Criteria: Invitae Variant Classification Sherloc (09022015). Collection method: clinical testing. Allele origin: germline.
Comment: This sequence change replaces isoleucine, which is neutral and non-polar, with methionine, which is neutral and non-polar, at codon 613 of the HGSNAT protein (p.Ile613Met). This variant is not present in population databases (gnomAD no frequency). This variant has not been reported in the literature in individuals affected with HGSNAT-related conditions. ClinVar contains an entry for this variant (Variation ID: 1986467). Invitae Evidence Modeling of protein sequence and biophysical properties (such as structural, functional, and spatial information, amino acid conservation, physicochemical variation, residue mobility, and thermodynamic stability) indicates that this missense variant is not expected to disrupt HGSNAT protein function with a negative predictive value of 95%. In summary, the available evidence is currently insufficient to determine the role of this variant in disease. Therefore, it has been classified as a Variant of Uncertain Significance.

Ambry Genetics
Classification: Uncertain significance for Inborn genetic diseases. Last evaluated: 2024-10-01. Review status: criteria provided, single submitter. Criteria: Ambry Variant Classification Scheme 2023. Collection method: clinical testing. Allele origin: germline.

NM_152419.3(HGSNAT):c.1839C>G (p.Ile613Met)

Gene: HGSNAT (heparan-alpha-glucosaminide N-acetyltransferase; plus strand). Cytogenetic location: 8p11.21.
Variant type: single nucleotide variant.
Coding change: c.1839C>G on transcript NM_152419.3 (MANE Select); coding-DNA position 1839, C replaced by G.
Protein change: p.Ile613Met; replaces isoleucine 613 with methionine.
Molecular consequence: missense variant.
Genome position (GRCh38, 1-based): chr8:43,199,500, C>G. VCF-style: chr8-43199500-C-G. GRCh37 (hg19) VCF-style: chr8-43054643-C-G.
Other names: c.1839C>G (NM_152419.2); c.1926C>G, p.Ile642Met (NM_001363227.2); c.1647C>G, p.Ile549Met (NM_001363228.2); c.975C>G, p.Ile325Met (NM_001363229.2); short protein forms I549M, I642M, I325M, I613M.
Identifiers: ClinVar variation 1986467 (VCV001986467.4), dbSNP rs772611068, ClinGen allele CA371121586.